The following is an entry in ClinVar:

NM_032119.4(ADGRV1):c.1509+11T>C

Gene: ADGRV1 (adhesion G protein-coupled receptor V1; plus strand). Cytogenetic location: 5q14.3.
Variant type: single nucleotide variant.
Coding change: c.1509+11T>C on transcript NM_032119.4 (MANE Select); 11 bases into the intron after coding-DNA position 1509, T replaced by C.
Molecular consequence: intron variant.
Genome position (GRCh38, 1-based): chr5:90,628,843, T>C. VCF-style: chr5-90628843-T-C. GRCh37 (hg19) VCF-style: chr5-89924660-T-C.
Identifiers: ClinVar variation 46278 (VCV000046278.7), dbSNP rs397517424, ClinGen allele CA138044.

ClinVar aggregate classification (germline): Likely benign. Review status: criteria provided, multiple submitters, no conflicts (2 of 4 stars). 2 submissions from 2 submitters: Likely benign (2). Last evaluated 2023-07-09.

Allele frequency attached by ClinVar (database versions not stated): TOPMed below 0.00001; gnomAD 0.00001.
gnomAD v4.1: 1 of 1,610,890 alleles (0.000062%); highest among the groups gnomAD compares: African/African-American, 0.0013%; no homozygotes.

Submissions (2):

Labcorp Genetics (formerly Invitae), Labcorp
Classification: Likely benign. Last evaluated: 2023-07-09. Review status: criteria provided, single submitter. Criteria: Invitae Variant Classification Sherloc (09022015). Collection method: clinical testing. Allele origin: germline.

Laboratory for Molecular Medicine, Mass General Brigham Personalized Medicine
Classification: Likely benign. Last evaluated: 2012-09-22. Review status: criteria provided, single submitter. Criteria: LMM Criteria. Collection method: clinical testing. Allele origin: germline. Observed: 1 variant allele.
Comment: 1509+11T>C in intron 8 of GPR98: This variant is not expected to have clinical s ignificance because it is not located within the conserved region of the splice consensus sequence.